The following is an entry in ClinVar:

ClinVar aggregate classification (germline): Uncertain significance. Review status: criteria provided, multiple submitters, no conflicts (2 of 4 stars). 5 submissions from 5 submitters: Uncertain significance (5). Last evaluated 2025-06-01.

Conditions:
Hereditary cancer-predisposing syndrome. Also called: Hereditary Cancer Syndrome; Neoplastic Syndromes, Hereditary; Tumor predisposition; Hereditary neoplastic syndrome. Identifiers: Orphanet 140162, MedGen C0027672, MeSH D009386, MONDO:0015356.
Ataxia-telangiectasia syndrome (AT). Also called: Ataxia-telangiectasia, complementation group D; AT, COMPLEMENTATION GROUP C; Ataxia-telangiectasia; ATAXIA-TELANGIECTASIA, COMPLEMENTATION GROUP A; ATAXIA-TELANGIECTASIA, FRESNO VARIANT; LOUIS-BAR SYNDROME. Identifiers: Orphanet 100, MedGen C0004135, MONDO:0008840, OMIM 208900.

gnomAD v4.1: 2 of 1,613,394 alleles (0.00012%); highest among the groups gnomAD compares: Non-Finnish European, 0.00017%; no homozygotes.

Submissions (5):

Labcorp Genetics (formerly Invitae), Labcorp
Classification: Uncertain significance for Ataxia-telangiectasia syndrome. Last evaluated: 2025-06-01. Review status: criteria provided, single submitter. Criteria: Invitae Variant Classification Sherloc (09022015). Collection method: clinical testing. Allele origin: germline.
Comment: This sequence change replaces leucine, which is neutral and non-polar, with valine, which is neutral and non-polar, at codon 995 of the ATM protein (p.Leu995Val). This variant is not present in population databases (gnomAD no frequency). This variant has not been reported in the literature in individuals affected with ATM-related conditions. ClinVar contains an entry for this variant (Variation ID: 631359). Invitae Evidence Modeling of protein sequence and biophysical properties (such as structural, functional, and spatial information, amino acid conservation, physicochemical variation, residue mobility, and thermodynamic stability) indicates that this missense variant is not expected to disrupt ATM protein function with a negative predictive value of 95%. In summary, the available evidence is currently insufficient to determine the role of this variant in disease. Therefore, it has been classified as a Variant of Uncertain Significance.

Center for Genomic Medicine, Rigshospitalet, Copenhagen University Hospital
Classification: Uncertain significance. Last evaluated: 2025-03-04. Review status: criteria provided, single submitter. Criteria: ACMG Guidelines, 2015. Collection method: clinical testing. Allele origin: germline.

Color Diagnostics, LLC DBA Color Health
Classification: Uncertain significance for Hereditary cancer-predisposing syndrome. Last evaluated: 2023-12-05. Review status: criteria provided, single submitter. Criteria: ACMG Guidelines, 2015. Collection method: clinical testing. Allele origin: germline.
Comment: This missense variant replaces leucine with valine at codon 995 of the ATM protein. Computational prediction suggests that this variant may not impact protein structure and function (internally defined REVEL score threshold <= 0.5, PMID: 27666373). To our knowledge, functional studies have not been reported for this variant. This variant has not been reported in individuals affected with ATM-related disorders in the literature. This variant has not been identified in the general population by the Genome Aggregation Database (gnomAD). The available evidence is insufficient to determine the role of this variant in disease conclusively. Therefore, this variant is classified as a Variant of Uncertain Significance.

GeneDx
Classification: Uncertain significance. Last evaluated: 2023-10-19. Review status: criteria provided, single submitter. Criteria: GeneDx Variant Classification Process June 2021. Collection method: clinical testing. Allele origin: germline. Affected: yes.
Comment: Not observed at significant frequency in large population cohorts (gnomAD); In silico analysis supports that this missense variant does not alter protein structure/function; Has not been previously published as pathogenic or benign to our knowledge; This variant is associated with the following publications: (PMID: 19781682)

Ambry Genetics
Classification: Uncertain significance for Hereditary cancer-predisposing syndrome. Last evaluated: 2022-10-20. Review status: criteria provided, single submitter. Criteria: Ambry Variant Classification Scheme 2023. Collection method: clinical testing. Allele origin: germline.
Comment: The p.L995V variant (also known as c.2983C>G), located in coding exon 19 of the ATM gene, results from a C to G substitution at nucleotide position 2983. The leucine at codon 995 is replaced by valine, an amino acid with highly similar properties. This amino acid position is well conserved in available vertebrate species. In addition, this alteration is predicted to be tolerated by in silico analysis. Since supporting evidence is limited at this time, the clinical significance of this alteration remains unclear.

NM_000051.4(ATM):c.2983C>G (p.Leu995Val)

Gene: ATM (ATM serine/threonine kinase; plus strand). Cytogenetic location: 11q22.3.
Variant type: single nucleotide variant.
Coding change: c.2983C>G on transcript NM_000051.4 (MANE Select); coding-DNA position 2983, C replaced by G.
Protein change: p.Leu995Val; replaces leucine 995 with valine.
Molecular consequence: missense variant.
Genome position (GRCh38, 1-based): chr11:108,271,312, C>G. VCF-style: chr11-108271312-C-G. GRCh37 (hg19) VCF-style: chr11-108142039-C-G.
Other names: c.2983C>G, p.Leu995Val (NM_001351834.2); short protein forms L995V.
Identifiers: ClinVar variation 631359 (VCV000631359.15), dbSNP rs587779831, ClinGen allele CA382547322.